The following is an entry in ClinVar:

ClinVar aggregate classification (germline): Uncertain significance (1 of 4 stars; one submission).

Submission:

GeneDx
Classification: Uncertain significance. Last evaluated: 2022-04-14. Review status: criteria provided, single submitter. Criteria: GeneDx Variant Classification Process June 2021. Collection method: clinical testing. Allele origin: germline. Affected: yes.
Comment: Has not been previously published as pathogenic or benign to our knowledge; In silico analysis supports that this missense variant has a deleterious effect on protein structure/function; Not observed at significant frequency in large population cohorts (gnomAD)

NM_004817.4(TJP2):c.1820T>G (p.Phe607Cys)

Gene: TJP2 (tight junction protein 2; plus strand). Cytogenetic location: 9q21.11.
Variant type: single nucleotide variant.
Coding change: c.1820T>G on transcript NM_004817.4 (MANE Select); coding-DNA position 1820, T replaced by G.
Protein change: p.Phe607Cys; replaces phenylalanine 607 with cysteine.
Molecular consequence: missense variant.
Genome position (GRCh38, 1-based): chr9:69,236,067, T>G. VCF-style: chr9-69236067-T-G. GRCh37 (hg19) VCF-style: chr9-71850983-T-G.
Other names: c.1751T>G, p.Phe584Cys (NM_001170414.2, NM_001369871.1); c.1832T>G, p.Phe611Cys (NM_001170415.1, NM_001369874.1, NM_001369875.1); c.1913T>G, p.Phe638Cys (NM_001170416.2); c.1745T>G, p.Phe582Cys (NM_001369870.1); c.1820T>G, p.Phe607Cys (NM_001369872.1, NM_001369873.1, NM_201629.3); short protein forms F582C, F584C, F607C, F611C, F638C.
Identifiers: ClinVar variation 1711945 (VCV001711945.2), dbSNP rs2538571105, ClinGen allele CA373532342.
Genomic context (GRCh38, chr9:69,236,067, plus strand): 5'-AACGATGCTTTTGTCTTTCAGTGTATAGAGACATCCTGGCTTGTGGCAGAGGGGATTCGT[T>G]TTTTATAAGAAGCCACTTTGAATGTGAGAAGGAAACTCCACAGAGCCTGGCCTTCACCAG-3'
Protein context (NP_004808.2, residues 597-617): DILACGRGDS[Phe607Cys]FIRSHFECEK